The following is an entry in ClinVar:

ClinVar aggregate classification (germline): Pathogenic (1 of 4 stars; one submission).

Conditions:
Birt-Hogg-Dube syndrome. Also called: Birt Hogg Dubé syndrome. Identifiers: Orphanet 122, MedGen C0346010, MONDO:0800444.

Submission:

Myriad Genetics, Inc.
Classification: Pathogenic for Birt-Hogg-Dube syndrome 1. Last evaluated: 2023-07-06. Review status: criteria provided, single submitter. Criteria: Myriad Autosomal Dominant, Autosomal Recessive and X-Linked Classification Criteria (2023). Collection method: clinical testing. Allele origin: unknown.
Comment: This variant is considered pathogenic. This variant is located within the gene translation start codon (p.Met1?) and is predicted to result in abnormal protein translation. This variant has been reported in multiple individuals with clinical features of gene-specific disease [PMID: 22146830, 19802896, 17034545].

Literature cited by the submitters: PubMed 22146830; PubMed 19802896; PubMed 17034545.

NM_144997.7(FLCN):c.3G>A (p.Met1Ile)

Gene: FLCN (folliculin; minus strand). Cytogenetic location: 17p11.2.
Variant type: single nucleotide variant.
Coding change: c.3G>A on transcript NM_144997.7 (MANE Select); coding-DNA position 3, G replaced by A.
Protein change: p.Met1Ile; changes the start codon (methionine 1).
Molecular consequence: missense variant, initiator codon variant.
Genome position (GRCh38, 1-based): chr17:17,228,135, C>T on the plus strand (G>A on the coding strand, the complement: FLCN is on the minus strand). VCF-style: chr17-17228135-C-T. GRCh37 (hg19) VCF-style: chr17-17131449-C-T.
Other names: c.3G>A, p.Met1Ile (NM_001353229.2, NM_001353230.2, NM_001353231.2 and 1 more transcripts); short protein forms M1I.
Identifiers: ClinVar variation 2673481 (VCV002673481.1), dbSNP rs879255658, ClinGen allele CA398535533.